The following continues an entry in ClinVar:

NM_000540.3(RYR1):c.7291G>A (p.Asp2431Asn)

Gene: RYR1. ClinVar aggregate classification (germline): Likely pathogenic. Likely pathogenic (1).

Submissions 7 to 13 of 13:

PreventionGenetics, part of Exact Sciences
Classification: Likely pathogenic for RYR1-related condition. Last evaluated: 2025-01-13. Review status: criteria provided, single submitter. Criteria: ACMG Guidelines, 2015. Collection method: clinical testing. Allele origin: germline. Not counted in ClinVar's aggregate classification.
Comment: The RYR1 c.7291G>A variant is predicted to result in the amino acid substitution p.Asp2431Asn. This variant has been reported in multiple individuals with malignant hyperthermia (Table 2, Sambuughin et al. 2001. PubMed ID: 11575529; Table S1, Robinson et al. 2006. PubMed ID: 16917943; Table 2, Rubegni et al. 2019. PubMed ID: 31517061). This variant is reported in 0.0062% of alleles in individuals of African descent in gnomAD. This variant has been classified by the ClinGen Malignant Hyperthermia Susceptibility Variant Curation Expert Panel as likely pathogenic. An alternate nucleotide change affecting the same amino acid (p.Asp2431Asn) has been reported in multiple families with RYR1-associated disease (Table 3, Miller et al. 2018. PubMed ID: 30236257). This variant is interpreted as likely pathogenic for autosomal dominant RYR1-related disorders and uncertain for autosomal recessive RYR1-related disorders.

Fulgent Genetics
Classification: Likely pathogenic for Central core myopathy; Malignant hyperthermia, susceptibility to, 1; Congenital multicore myopathy with external ophthalmoplegia; King Denborough syndrome. Last evaluated: 2024-04-18. Review status: criteria provided, single submitter. Criteria: ACMG Guidelines, 2015. Collection method: clinical testing. Allele origin: germline. Not counted in ClinVar's aggregate classification.

Women's Health and Genetics/Laboratory Corporation of America, LabCorp
Classification: Likely pathogenic for Malignant hyperthermia of anesthesia. Last evaluated: 2024-03-08. Review status: criteria provided, single submitter. Criteria: LabCorp Variant Classification Summary - May 2015. Collection method: clinical testing. Allele origin: germline. Not counted in ClinVar's aggregate classification.
Comment: Variant summary: RYR1 c.7291G>A (p.Asp2431Asn) results in a conservative amino acid change in the encoded protein sequence. Three of four in-silico tools predict a damaging effect of the variant on protein function. The variant allele was found at a frequency of 8e-06 in 251290 control chromosomes (gnomAD). c.7291G>A has been reported in the literature in heterozygous state in individuals who had a personal and/or family history of malignant hyperthermia, and had a positive caffeine halothane contracture test (CHCT) result (Sambuughin_2001, Sei_2002, Sei_2004). Inaddition, the variant was also reported in an asymptomatic individual with elevated creatine kinase (CK), who also had mild myopathic signs on muscle biopsy (Rubegni_2019). To our knowledge, no experimental evidence demonstrating an impact on protein function has been reported. The following publications have been ascertained in the context of this evaluation (PMID: 11575529, 12411786, 15448513, 31517061). ClinVar contains an entry for this variant (Variation ID: 133194). A different missense variant affecting the same amino acid (D2431Y) has been reported in patient(s) affected with malignant hyperthermia (HGMD) and been classified a likely pathogenic in ClinVar by several submitters. Based on the evidence outlined above, the variant was classified as likely pathogenic.

All of Us Research Program, National Institutes of Health
Classification: Likely pathogenic for Malignant hyperthermia, susceptibility to, 1. Last evaluated: 2023-11-28. Review status: criteria provided, single submitter. Criteria: ACMG Guidelines, 2015. Collection method: clinical testing. Allele origin: germline. Inheritance: Autosomal dominant inheritance. Observed: 4 variant alleles, 4 heterozygotes. Not counted in ClinVar's aggregate classification.
Comment: This missense variant replaces aspartic acid with asparagine at codon 2431 of the RYR1 protein. Computational prediction suggests that this variant may have deleterious impact on protein structure and function (internally defined REVEL score threshold >= 0.7, PMID: 27666373). Although functional studies have not been reported for this variant, it occurs in a region of RYR1 considered to be a hotspot for pathogenic variants that contribute to malignant hyperthermia susceptibility (PMID: 21118704). This variant has been reported in individuals and families affected with malignant hyperthermia susceptibility (PMID: 11575529, 12411786, 15448513, 30236257). This variant has been identified in 2/251290 chromosomes in the general population by the Genome Aggregation Database (gnomAD). Based on the available evidence, this variant is classified as Likely Pathogenic.

This study involves interpretation of variants in research participants for the purpose of population health screening. Participant phenotype was not available at the time of variant classification. Additional details can be found in publication PMID: 35346344, PMCID: PMC8962531

Revvity Omics, Revvity
Classification: Likely pathogenic. Last evaluated: 2022-07-05. Review status: criteria provided, single submitter. Criteria: ACMG Guidelines, 2015. Collection method: clinical testing. Allele origin: germline. Not counted in ClinVar's aggregate classification.

RYR1 database
No classification provided. Review status: no classification provided. Collection method: not provided. Allele origin: unknown. Not counted in ClinVar's aggregate classification.

CSER _CC_NCGL, University of Washington
Classification: Uncertain significance for Malignant hyperthermia. Last evaluated: 2014-06-01. Review status: flagged submission. Collection method: research. Allele origin: germline. Inheritance: Autosomal dominant inheritance. Study: ESP 6500 variant annotation. Not counted in ClinVar's aggregate classification.
Comment: Variants classified for the Actionable exomic incidental findings in 6503 participants: challenges of variant classification manuscript
ClinVar note: Reason: Conflicts with expert reviewed submission without evidence to support different classification

Literature cited by the submitters: PubMed 11575529 (cited by 6 submitters); PubMed 12411786 (cited by 4 submitters); PubMed 30236257 (cited by 5 submitters); PubMed 33547325 (cited by Ambry Genetics); PubMed 41153347 (cited by Ambry Genetics); PubMed 16917943 (cited by Labcorp Genetics (formerly Invitae), Labcorp); PubMed 19648156 (cited by Labcorp Genetics (formerly Invitae), Labcorp); PubMed 15448513 (cited by 3 submitters); PubMed 21118704 (cited by Color Diagnostics, LLC DBA Color Health and All of Us Research Program, National Institutes of Health); PubMed 31517061 (cited by Women's Health and Genetics/Laboratory Corporation of America, LabCorp).